The following is an entry in ClinVar:

ClinVar aggregate classification (germline): Uncertain significance (1 of 4 stars; one submission).

Conditions:
Inborn genetic diseases. Identifiers: MedGen C0950123, MeSH D030342.

Submission:

Ambry Genetics
Classification: Uncertain significance for Inborn genetic diseases. Last evaluated: 2023-03-24. Review status: criteria provided, single submitter. Criteria: Ambry Variant Classification Scheme 2023. Collection method: clinical testing. Allele origin: germline.
Comment: The p.A194S variant (also known as c.580G>T), located in coding exon 6 of the RAD51 gene, results from a G to T substitution at nucleotide position 580. The alanine at codon 194 is replaced by serine, an amino acid with similar properties. This amino acid position is conserved. In addition, this alteration is predicted to be tolerated by in silico analysis. Since supporting evidence is limited at this time, the clinical significance of this alteration remains unclear.

NM_002875.5(RAD51):c.580G>T (p.Ala194Ser)

Gene: RAD51 (RAD51 recombinase; plus strand). Cytogenetic location: 15q15.1.
Variant type: single nucleotide variant.
Coding change: c.580G>T on transcript NM_002875.5 (MANE Select); coding-DNA position 580, G replaced by T.
Protein change: p.Ala194Ser; replaces alanine 194 with serine.
Molecular consequence: missense variant.
Genome position (GRCh38, 1-based): chr15:40,728,760, G>T. VCF-style: chr15-40728760-G-T. GRCh37 (hg19) VCF-style: chr15-41020958-G-T.
Other names: c.583G>T, p.Ala195Ser (NM_001164269.2, NM_133487.4); c.580G>T, p.Ala194Ser (NM_001164270.2); short protein forms A194S, A195S.
Identifiers: ClinVar variation 2565482 (VCV002565482.2), dbSNP rs2141880201, ClinGen allele CA391757255.
Genomic context (GRCh38, chr15:40,728,760, plus strand): 5'-CTCTCTCATAGGTATGGTCTCTCTGGCAGTGATGTCCTGGATAATGTAGCATATGCTCGA[G>T]CGTTCAACACAGACCACCAGACCCAGCTCCTTTATCAAGCATCAGCCATGATGGTAGAAT-3'
Protein context (NP_002866.2, residues 184-204): DVLDNVAYAR[Ala194Ser]FNTDHQTQLL